The following is an entry in ClinVar:

NM_002951.5(RPN2):c.1618G>A (p.Val540Met)

Gene: RPN2 (ribophorin II; plus strand). Cytogenetic location: 20q11.23.
Variant type: single nucleotide variant.
Coding change: c.1618G>A on transcript NM_002951.5 (MANE Select); coding-DNA position 1618, G replaced by A.
Protein change: p.Val540Met; replaces valine 540 with methionine.
Molecular consequence: missense variant. On other transcripts: intron variant (2).
Genome position (GRCh38, 1-based): chr20:37,232,332, G>A. VCF-style: chr20-37232332-G-A. GRCh37 (hg19) VCF-style: chr20-35860735-G-A.
Other names: c.1522G>A, p.Val508Met (NM_001135771.3); c.1666G>A, p.Val556Met (NM_001324301.2, NM_001324305.2); c.1618G>A, p.Val540Met (NM_001324303.2, NM_001324304.2); c.1147G>A, p.Val383Met (NM_001324306.2); c.1582-1688G>A (NM_001324299.2, NM_001324302.2); short protein forms V508M, V540M, V556M, V383M.
Identifiers: ClinVar variation 1908766 (VCV001908766.5), dbSNP rs771394466, ClinGen allele CA314324068.

ClinVar aggregate classification (germline): Uncertain significance (1 of 4 stars; one submission).

Conditions:
Congenital disorder of glycosylation (CDG). Also called: Congenital disorders of glycosylation; Carbohydrate-deficient glycoprotein syndrome. Identifiers: Orphanet 137, MedGen C0282577, MONDO:0015286.

Allele frequency attached by ClinVar (database versions not stated): gnomAD 0.00001.
gnomAD v4.1: 9 of 1,614,070 alleles (0.00056%); highest among the groups gnomAD compares: African/African-American, 0.0027%; no homozygotes.

Submission:

Labcorp Genetics (formerly Invitae), Labcorp
Classification: Uncertain significance for Congenital disorder of glycosylation. Last evaluated: 2022-02-25. Review status: criteria provided, single submitter. Criteria: Invitae Variant Classification Sherloc (09022015). Collection method: clinical testing. Allele origin: germline.
Comment: In summary, the available evidence is currently insufficient to determine the role of this variant in disease. Therefore, it has been classified as a Variant of Uncertain Significance. Algorithms developed to predict the effect of missense changes on protein structure and function are either unavailable or do not agree on the potential impact of this missense change (SIFT: "Not Available"; PolyPhen-2: "Probably Damaging"; Align-GVGD: "Not Available"). This variant has not been reported in the literature in individuals affected with RPN2-related conditions. This variant is not present in population databases (gnomAD no frequency). This sequence change replaces valine, which is neutral and non-polar, with methionine, which is neutral and non-polar, at codon 540 of the RPN2 protein (p.Val540Met).